The following is an entry in ClinVar:

NM_006070.6(TFG):c.256C>G (p.Leu86Val)

Gene: TFG (trafficking from ER to golgi regulator; plus strand). Cytogenetic location: 3q12.2.
Variant type: single nucleotide variant.
Coding change: c.256C>G on transcript NM_006070.6 (MANE Select); coding-DNA position 256, C replaced by G.
Protein change: p.Leu86Val; replaces leucine 86 with valine.
Molecular consequence: missense variant.
Genome position (GRCh38, 1-based): chr3:100,720,046, C>G. VCF-style: chr3-100720046-C-G. GRCh37 (hg19) VCF-style: chr3-100438890-C-G.
Other names: c.256C>G, p.Leu86Val (NM_001007565.2, NM_001195478.2, NM_001195479.2); short protein forms L86V.
Identifiers: ClinVar variation 964397 (VCV000964397.11), dbSNP rs140174542, ClinGen allele CA2517026.
Genomic context (GRCh38, chr3:100,720,046, plus strand): 5'-ATAACAATTTTTGATAGTTCTGACCTTTCCTTTGCAATTCAGTGCAGTAGGATACTGAAA[C>G]TGACATTATTTGGTGAGTAGTAAACTTTCTAATGAATTTACTATTTTATTCATTGTATTT-3'
Protein context (NP_006061.2, residues 76-96): FAIQCSRILK[Leu86Val]TLFVNGQPRP

ClinVar aggregate classification (germline): Uncertain significance. Review status: criteria provided, multiple submitters, no conflicts (2 of 4 stars). 2 submissions from 2 submitters: Uncertain significance (2). Last evaluated 2026-05-16.

Conditions:
TFG-related disorder. Also called: TFG-related condition; TFG-related disorders.
Hereditary spastic paraplegia 57. Also called: Spastic paraplegia 57, autosomal recessive. Identifiers: Orphanet 431329, MedGen C3714897, MONDO:0014295, OMIM 615658.
Hereditary motor and sensory neuropathy, Okinawa type (HMSNO). Also called: HEREDITARY MOTOR AND SENSORY NEUROPATHY, PROXIMAL TYPE. Identifiers: Orphanet 90117, MedGen C1858338, MONDO:0011468, OMIM 604484.

Allele frequency attached by ClinVar (database versions not stated): gnomAD exomes 0.00001 and 0.00003; ExAC 0.00003; ESP Exome Variant Server 0.00008; gnomAD 0.00011; 1000 Genomes Project 30x 0.00016; 1000 Genomes Project 0.00020; TOPMed 0.00028.
gnomAD v4.1: 28 of 1,557,116 alleles (0.0018%); highest among the groups gnomAD compares: Admixed American, 0.045%; no homozygotes.

Submissions (3):

PreventionGenetics, part of Exact Sciences
Classification: Uncertain significance for TFG-related condition. Last evaluated: 2026-05-16. Review status: criteria provided, single submitter. Criteria: ACMG Guidelines, 2015. Collection method: clinical testing. Allele origin: germline.
Comment: The TFG c.256C>G variant is predicted to result in the amino acid substitution p.Leu86Val. To our knowledge, this variant has not been reported in the literature. This variant is reported in 0.023% of alleles in individuals of Latino descent in gnomAD. At this time, the clinical significance of this variant is uncertain due to the absence of conclusive functional and genetic evidence.

Labcorp Genetics (formerly Invitae), Labcorp
Classification: Uncertain significance for Hereditary motor and sensory neuropathy, Okinawa type; Hereditary spastic paraplegia 57. Last evaluated: 2026-01-05. Review status: criteria provided, single submitter. Criteria: Invitae Variant Classification Sherloc (09022015). Collection method: clinical testing. Allele origin: germline.
Comment: This sequence change replaces leucine, which is neutral and non-polar, with valine, which is neutral and non-polar, at codon 86 of the TFG protein (p.Leu86Val). This variant is present in population databases (rs140174542, gnomAD 0.02%). This variant has not been reported in the literature in individuals affected with TFG-related conditions. ClinVar contains an entry for this variant (Variation ID: 964397). Invitae Evidence Modeling of protein sequence and biophysical properties (such as structural, functional, and spatial information, amino acid conservation, physicochemical variation, residue mobility, and thermodynamic stability) indicates that this missense variant is not expected to disrupt TFG protein function with a negative predictive value of 80%. In summary, the available evidence is currently insufficient to determine the role of this variant in disease. Therefore, it has been classified as a Variant of Uncertain Significance.

Dr. Peter K. Rogan Lab, Western University
No classification provided (evidence only). Condition: Gastric cancer. Review status: no classification provided. Collection method: in vitro. Allele origin: not applicable. Functional consequence: retained intron. Not counted in ClinVar's aggregate classification.